The following is an entry in ClinVar:

ClinVar aggregate classification (germline): Uncertain significance. Review status: criteria provided, multiple submitters, no conflicts (2 of 4 stars). 2 submissions from 2 submitters: Uncertain significance (2). Last evaluated 2024-10-15.

Conditions:
Spastic paraplegia. Identifiers: MedGen C0037772, HP:0001258.

Allele frequency attached by ClinVar (database versions not stated): TOPMed below 0.00001; ExAC 0.00001; gnomAD 0.00001; gnomAD exomes 0.00002; ESP Exome Variant Server 0.00008.

Submissions (2):

Labcorp Genetics (formerly Invitae), Labcorp
Classification: Uncertain significance for Spastic paraplegia. Last evaluated: 2024-10-15. Review status: criteria provided, single submitter. Criteria: Invitae Variant Classification Sherloc (09022015). Collection method: clinical testing. Allele origin: germline.
Comment: This sequence change replaces tryptophan, which is neutral and slightly polar, with cysteine, which is neutral and slightly polar, at codon 336 of the B4GALNT1 protein (p.Trp336Cys). This variant is present in population databases (rs144926023, gnomAD 0.007%). This variant has not been reported in the literature in individuals affected with B4GALNT1-related conditions. ClinVar contains an entry for this variant (Variation ID: 1163939). Invitae Evidence Modeling of protein sequence and biophysical properties (such as structural, functional, and spatial information, amino acid conservation, physicochemical variation, residue mobility, and thermodynamic stability) has been performed for this missense variant. However, the output from this modeling did not meet the statistical confidence thresholds required to predict the impact of this variant on B4GALNT1 protein function. In summary, the available evidence is currently insufficient to determine the role of this variant in disease. Therefore, it has been classified as a Variant of Uncertain Significance.

Mayo Clinic Laboratories, Mayo Clinic
Classification: Uncertain significance. Last evaluated: 2020-08-18. Review status: criteria provided, single submitter. Criteria: ACMG Guidelines, 2015. Collection method: clinical testing. Allele origin: germline. Observed: 1 variant allele.

NM_001478.5(B4GALNT1):c.1008G>C (p.Trp336Cys)

Gene: B4GALNT1 (beta-1,4-N-acetyl-galactosaminyltransferase 1; minus strand). Cytogenetic location: 12q13.3.
Variant type: single nucleotide variant.
Coding change: c.1008G>C on transcript NM_001478.5 (MANE Select); coding-DNA position 1008, G replaced by C.
Protein change: p.Trp336Cys; replaces tryptophan 336 with cysteine.
Molecular consequence: missense variant.
Genome position (GRCh38, 1-based): chr12:57,628,257, C>G on the plus strand (G>C on the coding strand, the complement: B4GALNT1 is on the minus strand). VCF-style: chr12-57628257-C-G. GRCh37 (hg19) VCF-style: chr12-58022040-C-G.
Other names: c.843G>C, p.Trp281Cys (NM_001276468.2); short protein forms W281C, W336C.
Identifiers: ClinVar variation 1163939 (VCV001163939.9), dbSNP rs144926023, ClinGen allele CA6655551.